The following is an entry in ClinVar:

NM_004836.7(EIF2AK3):c.845C>T (p.Thr282Ile)

Gene: EIF2AK3 (eukaryotic translation initiation factor 2 alpha kinase 3; minus strand). Cytogenetic location: 2p11.2.
Variant type: single nucleotide variant.
Coding change: c.845C>T on transcript NM_004836.7 (MANE Select); coding-DNA position 845, C replaced by T.
Protein change: p.Thr282Ile; replaces threonine 282 with isoleucine.
Molecular consequence: missense variant.
Genome position (GRCh38, 1-based): chr2:88,590,975, G>A on the plus strand (C>T on the coding strand, the complement: EIF2AK3 is on the minus strand). VCF-style: chr2-88590975-G-A. GRCh37 (hg19) VCF-style: chr2-88890493-G-A.
Other names: c.392C>T, p.Thr131Ile (NM_001313915.2); c.845C>T (NM_004836.5); short protein forms T131I, T282I.
Identifiers: ClinVar variation 1044324 (VCV001044324.8), dbSNP rs765112357, ClinGen allele CA1754823.
Genomic context (GRCh38, chr2:88,590,975, plus strand): 5'-TCCTGTTCTTCCACATCTGAAATAATTTTAGACTCTTCTGTGTTCTCATTGGGCTTAAAG[G>A]TGCTTTCAATAAATCCGGCTCTCGTTTCCATGTCTGGAATATACCGAAGTTCAAAGTGGC-3'
Protein context (NP_004827.4, residues 272-292): METRAGFIES[Thr282Ile]FKPNENTEES

ClinVar aggregate classification (germline): Uncertain significance. Review status: criteria provided, multiple submitters, no conflicts (2 of 4 stars). 3 submissions from 3 submitters: Uncertain significance (3). Last evaluated 2024-04-18.

Conditions:
Inborn genetic diseases. Identifiers: MedGen C0950123, MeSH D030342.
Wolcott-Rallison dysplasia. Also called: MED-IDDM SYNDROME; Wolcott-Rallison syndrome. Identifiers: Orphanet 1667, MedGen C0432217, MONDO:0009192, OMIM 226980.

Allele frequency attached by ClinVar (database versions not stated): gnomAD 0.00002 and 0.00003; TOPMed 0.00003.
gnomAD v4.1: 43 of 1,614,086 alleles (0.0027%); highest among the groups gnomAD compares: Middle Eastern, 0.12%; 1 homozygote.

Submissions (3):

Fulgent Genetics
Classification: Uncertain significance for Wolcott-Rallison dysplasia. Last evaluated: 2024-04-18. Review status: criteria provided, single submitter. Criteria: ACMG Guidelines, 2015. Collection method: clinical testing. Allele origin: germline.

Labcorp Genetics (formerly Invitae), Labcorp
Classification: Uncertain significance. Last evaluated: 2022-07-12. Review status: criteria provided, single submitter. Criteria: Invitae Variant Classification Sherloc (09022015). Collection method: clinical testing. Allele origin: germline.
Comment: This sequence change replaces threonine, which is neutral and polar, with isoleucine, which is neutral and non-polar, at codon 282 of the EIF2AK3 protein (p.Thr282Ile). This variant is present in population databases (rs765112357, gnomAD 0.02%). This variant has not been reported in the literature in individuals affected with EIF2AK3-related conditions. ClinVar contains an entry for this variant (Variation ID: 1044324). Algorithms developed to predict the effect of missense changes on protein structure and function (SIFT, PolyPhen-2, Align-GVGD) all suggest that this variant is likely to be tolerated. In summary, the available evidence is currently insufficient to determine the role of this variant in disease. Therefore, it has been classified as a Variant of Uncertain Significance.

Ambry Genetics
Classification: Uncertain significance for Inborn genetic diseases. Last evaluated: 2022-01-27. Review status: criteria provided, single submitter. Criteria: Ambry Variant Classification Scheme 2023. Collection method: clinical testing. Allele origin: germline.